The following is an entry in ClinVar:

ClinVar aggregate classification (germline): Benign/Likely benign. Review status: criteria provided, multiple submitters, no conflicts (2 of 4 stars). 3 submissions from 3 submitters: Benign (1); Likely benign (1). 1 of the submissions does not count toward it. Last evaluated 2025-09-29.

Conditions:
POLR3A-related disorder. Also called: POLR3A-related disorders; POLR3A-related condition. Identifiers: MedGen CN378587, MONDO:0700276.
Inborn genetic diseases. Identifiers: MedGen C0950123, MeSH D030342.

Submissions (3):

Labcorp Genetics (formerly Invitae), Labcorp
Classification: Benign. Last evaluated: 2025-09-29. Review status: criteria provided, single submitter. Criteria: Invitae Variant Classification Sherloc (09022015). Collection method: clinical testing. Allele origin: germline.

Ambry Genetics
Classification: Likely benign for Inborn genetic diseases. Last evaluated: 2022-09-08. Review status: criteria provided, single submitter. Criteria: Ambry Variant Classification Scheme 2023. Collection method: clinical testing. Allele origin: germline.

PreventionGenetics, part of Exact Sciences
Classification: Likely benign for POLR3A-related condition. Last evaluated: 2019-12-26. Review status: no assertion criteria provided. Collection method: clinical testing. Allele origin: germline. Not counted in ClinVar's aggregate classification.
Comment: This variant is classified as likely benign based on ACMG/AMP sequence variant interpretation guidelines (Richards et al. 2015 PMID: 25741868, with internal and published modifications).

NM_007055.4(POLR3A):c.1771-11dup

Gene: POLR3A (RNA polymerase III subunit A; minus strand). Cytogenetic location: 10q22.3.
Variant type: Duplication.
Coding change: c.1771-11dup on transcript NM_007055.4 (MANE Select); 11 bases into the intron before coding-DNA position 1771, one base duplicated (C; older notation c.1771-11dupC).
Molecular consequence: intron variant.
Genome position (GRCh38, 1-based): chr10:78,009,680, G duplicated on the plus strand (C on the coding strand, the reverse complement: POLR3A is on the minus strand); the first of 7 consecutive G bases (chr10:78,009,680-78,009,686); duplicating any one gives the same sequence. VCF-style (leftmost placement, unchanged base first): chr10-78009679-A-AG. GRCh37 (hg19) VCF-style: chr10-79769437-A-AG.
Other names: c.1771-5dupC (NM_007055.3).
Identifiers: ClinVar variation 1166745 (VCV001166745.12), dbSNP rs544204280, ClinGen allele CA5571313.